The following is an entry in ClinVar:

ClinVar aggregate classification (germline): Uncertain significance. Review status: criteria provided, multiple submitters, no conflicts (2 of 4 stars). 2 submissions from 2 submitters: Uncertain significance (2). Last evaluated 2024-04-26.

Conditions:
Joubert syndrome. Also called: JOUBERT-BOLTSHAUSER SYNDROME; Familial aplasia of the vermis. Identifiers: Orphanet 475, MedGen C5979921, MONDO:0018772.
Joubert syndrome 3 (JBTS3). Also called: AHI1-related Ciliopathy. Identifiers: Orphanet 220493, MedGen C1837713, MONDO:0012078, OMIM 608629.

Allele frequency attached by ClinVar (database versions not stated): ESP Exome Variant Server 0.00008; ExAC 0.00002; gnomAD 0.00002; TOPMed 0.00002.
gnomAD v4.1: 28 of 1,613,874 alleles (0.0017%); highest among the groups gnomAD compares: Non-Finnish European, 0.0023%; no homozygotes.

Submissions (3):

Fulgent Genetics
Classification: Uncertain significance for Joubert syndrome 3. Last evaluated: 2024-04-26. Review status: criteria provided, single submitter. Criteria: ACMG Guidelines, 2015. Collection method: clinical testing. Allele origin: germline.

Labcorp Genetics (formerly Invitae), Labcorp
Classification: Uncertain significance for Joubert syndrome. Last evaluated: 2022-07-05. Review status: criteria provided, single submitter. Criteria: Invitae Variant Classification Sherloc (09022015). Collection method: clinical testing. Allele origin: germline.
Comment: This sequence change replaces tyrosine, which is neutral and polar, with cysteine, which is neutral and slightly polar, at codon 192 of the AHI1 protein (p.Tyr192Cys). This variant is present in population databases (rs374604980, gnomAD 0.003%). This variant has not been reported in the literature in individuals affected with AHI1-related conditions. Algorithms developed to predict the effect of missense changes on protein structure and function are either unavailable or do not agree on the potential impact of this missense change (SIFT: "Tolerated"; PolyPhen-2: "Probably Damaging"; Align-GVGD: "Class C0"). Algorithms developed to predict the effect of sequence changes on RNA splicing suggest that this variant may create or strengthen a splice site. In summary, the available evidence is currently insufficient to determine the role of this variant in disease. Therefore, it has been classified as a Variant of Uncertain Significance.

Dr. Peter K. Rogan Lab, Western University
No classification provided (evidence only). Condition: Acute myeloid leukemia. Review status: no classification provided. Collection method: in vitro. Allele origin: not applicable. Functional consequence: retained intron. Not counted in ClinVar's aggregate classification.

NM_001134831.2(AHI1):c.575A>G (p.Tyr192Cys)

Gene: AHI1 (Abelson helper integration site 1; minus strand). Cytogenetic location: 6q23.3.
Variant type: single nucleotide variant.
Coding change: c.575A>G on transcript NM_001134831.2 (MANE Select); coding-DNA position 575, A replaced by G.
Protein change: p.Tyr192Cys; replaces tyrosine 192 with cysteine.
Molecular consequence: missense variant.
Genome position (GRCh38, 1-based): chr6:135,465,988, T>C on the plus strand (A>G on the coding strand, the complement: AHI1 is on the minus strand). VCF-style: chr6-135465988-T-C. GRCh37 (hg19) VCF-style: chr6-135787126-T-C.
Other names: c.575A>G (NM_017651.4); c.575A>G, p.Tyr192Cys (NM_001134830.2, NM_001134832.2, NM_001350503.2 and 2 more transcripts); short protein forms Y192C.
Identifiers: ClinVar variation 2171150 (VCV002171150.3), dbSNP rs374604980, ClinGen allele CA4012804.